The following is an entry in ClinVar:

ClinVar aggregate classification (germline): Uncertain significance (1 of 4 stars; one submission).

gnomAD v4.1: 1 of 1,053,360 alleles (0.000095%); no homozygotes.

Submission:

Labcorp Genetics (formerly Invitae), Labcorp
Classification: Uncertain significance. Last evaluated: 2024-03-14. Review status: criteria provided, single submitter. Criteria: Invitae Variant Classification Sherloc (09022015). Collection method: clinical testing. Allele origin: germline.
Comment: This sequence change replaces serine, which is neutral and polar, with tryptophan, which is neutral and slightly polar, at codon 20 of the ADGRA3 protein (p.Ser20Trp). The frequency data for this variant in the population databases is considered unreliable, as metrics indicate insufficient coverage at this position in the gnomAD database. This variant has not been reported in the literature in individuals affected with ADGRA3-related conditions. Experimental studies and prediction algorithms are not available or were not evaluated, and the functional significance of this variant is currently unknown. In summary, the available evidence is currently insufficient to determine the role of this variant in disease. Therefore, it has been classified as a Variant of Uncertain Significance.

NM_145290.4(ADGRA3):c.59C>G (p.Ser20Trp)

Gene: ADGRA3 (adhesion G protein-coupled receptor A3; minus strand). Cytogenetic location: 4p15.2.
Variant type: single nucleotide variant.
Coding change: c.59C>G on transcript NM_145290.4 (MANE Select); coding-DNA position 59, C replaced by G.
Protein change: p.Ser20Trp; replaces serine 20 with tryptophan.
Molecular consequence: missense variant.
Genome position (GRCh38, 1-based): chr4:22,515,726, G>C on the plus strand (C>G on the coding strand, the complement: ADGRA3 is on the minus strand). VCF-style: chr4-22515726-G-C. GRCh37 (hg19) VCF-style: chr4-22517349-G-C.
Other names: short protein forms S20W.
Identifiers: ClinVar variation 3609452 (VCV003609452.2).